The following is an entry in ClinVar:

ClinVar aggregate classification (germline): Uncertain significance (1 of 4 stars; one submission).

Conditions:
Cardiomyopathy (CMYO). Also called: Cardiomyopathies. Identifiers: Orphanet 167848, MedGen C0878544, MONDO:0004994, HP:0001638. Inheritance: Various modes of inheritance.

Submission:

Color Diagnostics, LLC DBA Color Health
Classification: Uncertain significance for Cardiomyopathy. Last evaluated: 2025-06-29. Review status: criteria provided, single submitter. Criteria: ACMG Guidelines, 2015. Collection method: clinical testing. Allele origin: germline.
Comment: This missense variant replaces glutamic acid with glycine at codon 3343 of the RYR2 protein. Computational prediction suggests that this variant may have deleterious impact on protein structure and function. To our knowledge, functional studies have not been reported for this variant. This variant has not been reported in individuals affected with RYR2-related disorders in the literature. This variant has not been identified in the general population by the Genome Aggregation Database (gnomAD). The available evidence is insufficient to determine the role of this variant in disease conclusively. Therefore, this variant is classified as a Variant of Uncertain Significance.

NM_001035.3(RYR2):c.10028A>G (p.Glu3343Gly)

Gene: RYR2 (ryanodine receptor 2; plus strand). Cytogenetic location: 1q43.
Variant type: single nucleotide variant.
Coding change: c.10028A>G on transcript NM_001035.3 (MANE Select); coding-DNA position 10028, A replaced by G.
Protein change: p.Glu3343Gly; replaces glutamic acid 3343 with glycine.
Molecular consequence: missense variant.
Genome position (GRCh38, 1-based): chr1:237,708,984, A>G. VCF-style: chr1-237708984-A-G. GRCh37 (hg19) VCF-style: chr1-237872284-A-G.
Other names: short protein forms E3343G.
Identifiers: ClinVar variation 4757213 (VCV004757213.1).